The following is an entry in ClinVar:

NM_001267550.2(TTN):c.11311+4578A>G

Gene: TTN (titin; minus strand). Cytogenetic location: 2q31.2.
Variant type: single nucleotide variant.
Coding change: c.11311+4578A>G on transcript NM_001267550.2 (MANE Select); 4578 bases into the intron after coding-DNA position 11311, A replaced by G.
Molecular consequence: intron variant. On other transcripts: synonymous variant (1).
Genome position (GRCh38, 1-based): chr2:178,748,546, T>C on the plus strand (A>G on the coding strand, the complement: TTN is on the minus strand). VCF-style: chr2-178748546-T-C. GRCh37 (hg19) VCF-style: chr2-179613273-T-C.
Other names: c.13854A>G, p.Leu4618= (NM_133379.5); c.10222+4578A>G (NM_003319.4); c.10798+4578A>G (NM_133437.4); c.10597+4578A>G (NM_133432.3); c.10360+4578A>G (NM_133378.4, NM_001256850.1).
Identifiers: ClinVar variation 4875233 (VCV004875233.2).

ClinVar aggregate classification (germline): Likely benign (1 of 4 stars; one submission).

gnomAD v4.1: 4 of 1,612,980 alleles (0.00025%); highest among the groups gnomAD compares: Non-Finnish European, 0.00025%; no homozygotes.

Submission:

CeGaT Center for Human Genetics Tuebingen
Classification: Likely benign. Last evaluated: 2026-06-01. Review status: criteria provided, single submitter. Criteria: CeGaT Center For Human Genetics Tuebingen Variant Classification Criteria Version 2. Collection method: clinical testing. Allele origin: germline. Affected: yes. Observed: 1 variant allele.
Comment: TTN: BP4, BP7